The following is an entry in ClinVar:

ClinVar aggregate classification (germline): Uncertain significance (1 of 4 stars; one submission).

Conditions:
DUOX2-related disorder. Also called: DUOX2-related condition.

Submission:

PreventionGenetics, part of Exact Sciences
Classification: Uncertain significance for DUOX2-related condition. Last evaluated: 2023-02-03. Review status: criteria provided, single submitter. Criteria: ACMG Guidelines, 2015. Collection method: clinical testing. Allele origin: germline.
Comment: The DUOX2 c.715G>C variant is predicted to result in the amino acid substitution p.Ala239Pro. To our knowledge, this variant has not been reported in the literature or in a large population database, indicating this variant is rare. This variant falls within a highly paralogous region. Allele frequency data should be interpreted with caution. An alternate nucleotide change affecting the same amino acid (c.715G>A, p.Ala239Thr) has been previously observed in a cohort of individuals with borderline congenital hypothyroidism (Peters et al. 2019. PubMed ID: 31044655, Supplementary Table 3). At this time, the clinical significance of this variant is uncertain due to the absence of conclusive functional and genetic evidence.

NM_001363711.2(DUOX2):c.715G>C (p.Ala239Pro)

Gene: DUOX2 (dual oxidase 2; minus strand). Cytogenetic location: 15q21.1.
Variant type: single nucleotide variant.
Coding change: c.715G>C on transcript NM_001363711.2 (MANE Select); coding-DNA position 715, G replaced by C.
Protein change: p.Ala239Pro; replaces alanine 239 with proline.
Molecular consequence: missense variant.
Genome position (GRCh38, 1-based): chr15:45,111,384, C>G on the plus strand (G>C on the coding strand, the complement: DUOX2 is on the minus strand). VCF-style: chr15-45111384-C-G. GRCh37 (hg19) VCF-style: chr15-45403582-C-G.
Other names: c.715G>C, p.Ala239Pro (NM_014080.5); short protein forms A239P.
Identifiers: ClinVar variation 2630559 (VCV002630559.1), dbSNP rs758327952, ClinGen allele CA392278731.